The following is an entry in ClinVar:

ClinVar aggregate classification (germline): Uncertain significance (1 of 4 stars; one submission).

Conditions:
Early-infantile DEE. Also called: Early infantile epileptic encephalopathy; Early infantile epileptic encephalopathy with suppression bursts; Ohtahara syndrome. Identifiers: Orphanet 1934, MedGen C0393706, MONDO:0800491.

Allele frequency attached by ClinVar (database versions not stated): TOPMed below 0.00001.

Submission:

Labcorp Genetics (formerly Invitae), Labcorp
Classification: Uncertain significance for Early-infantile DEE. Last evaluated: 2022-02-11. Review status: criteria provided, single submitter. Criteria: Invitae Variant Classification Sherloc (09022015). Collection method: clinical testing. Allele origin: germline.
Comment: In summary, the available evidence is currently insufficient to determine the role of this variant in disease. Therefore, it has been classified as a Variant of Uncertain Significance. Algorithms developed to predict the effect of missense changes on protein structure and function are either unavailable or do not agree on the potential impact of this missense change (SIFT: "Deleterious"; PolyPhen-2: "Probably Damaging"; Align-GVGD: "Class C0"). This variant has not been reported in the literature in individuals affected with SLC25A22-related conditions. This variant is not present in population databases (gnomAD no frequency). This sequence change replaces glycine, which is neutral and non-polar, with aspartic acid, which is acidic and polar, at codon 309 of the SLC25A22 protein (p.Gly309Asp).

NM_001191061.2(SLC25A22):c.926G>A (p.Gly309Asp)

Gene: SLC25A22 (solute carrier family 25 member 22; minus strand). Cytogenetic location: 11p15.5.
Variant type: single nucleotide variant.
Coding change: c.926G>A on transcript NM_001191061.2 (MANE Select); coding-DNA position 926, G replaced by A.
Protein change: p.Gly309Asp; replaces glycine 309 with aspartic acid.
Molecular consequence: missense variant.
Genome position (GRCh38, 1-based): chr11:791,961, C>T on the plus strand (G>A on the coding strand, the complement: SLC25A22 is on the minus strand). VCF-style: chr11-791961-C-T. GRCh37 (hg19) VCF-style: chr11-791961-C-T.
Other names: c.926G>A, p.Gly309Asp (NM_001191060.2, NM_024698.6); short protein forms G309D.
Identifiers: ClinVar variation 2096459 (VCV002096459.4), dbSNP rs1023771172, ClinGen allele CA216992982.
Genomic context (GRCh38, chr11:791,961, plus strand): 5'-AGCGGGTGCTGGGCTCAGGCCTGGGGGTCCTGCAGCAGCCCCAGCAGGGACTCCGCGATG[C>T]CCAGGAAGTAGACCACCTGTGCGATGCCGAAAAGGGGCGCGATGACCAGCGCGCGGCAGT-3'
Protein context (NP_001177990.1, residues 299-319): FGIAQVVYFL[Gly309Asp]IAESLLGLLQ